The following is an entry in ClinVar:

NM_024570.4(RNASEH2B):c.521C>T (p.Thr174Ile)

Gene: RNASEH2B (ribonuclease H2 subunit B; plus strand). Cytogenetic location: 13q14.3.
Variant type: single nucleotide variant.
Coding change: c.521C>T on transcript NM_024570.4 (MANE Select); coding-DNA position 521, C replaced by T.
Protein change: p.Thr174Ile; replaces threonine 174 with isoleucine.
Molecular consequence: missense variant.
Genome position (GRCh38, 1-based): chr13:50,945,437, C>T. VCF-style: chr13-50945437-C-T. GRCh37 (hg19) VCF-style: chr13-51519573-C-T.
Other names: c.521C>T, p.Thr174Ile (NM_001142279.2); short protein forms T174I.
Identifiers: ClinVar variation 1485522 (VCV001485522.8), dbSNP rs902917241, ClinGen allele CA388259562.
Genomic context (GRCh38, chr13:50,945,437, plus strand): 5'-TAAAGTTAAGTTGAAAATACCCTGCCTTTCCCCTCTTGGTTGCTTCATAGGTTAATCAAA[C>T]TGTGGCAGCATTAAAAACCAATAATGTGAATGTCAGTTCCCGGGTACAGTCAACTGCATT-3'
Protein context (NP_078846.2, residues 164-184): LKWLEKKVNQ[Thr174Ile]VAALKTNNVN

ClinVar aggregate classification (germline): Uncertain significance (1 of 4 stars; one submission).

Conditions:
Aicardi-Goutieres syndrome 2. Identifiers: Orphanet 51, MedGen C3489724, MONDO:0012429, OMIM 610181.

Submission:

Labcorp Genetics (formerly Invitae), Labcorp
Classification: Uncertain significance for Aicardi-Goutieres syndrome 2. Last evaluated: 2022-11-08. Review status: criteria provided, single submitter. Criteria: Invitae Variant Classification Sherloc (09022015). Collection method: clinical testing. Allele origin: germline.
Comment: This sequence change replaces threonine, which is neutral and polar, with isoleucine, which is neutral and non-polar, at codon 174 of the RNASEH2B protein (p.Thr174Ile). This variant is not present in population databases (gnomAD no frequency). This variant has not been reported in the literature in individuals affected with RNASEH2B-related conditions. ClinVar contains an entry for this variant (Variation ID: 1485522). Advanced modeling of protein sequence and biophysical properties (such as structural, functional, and spatial information, amino acid conservation, physicochemical variation, residue mobility, and thermodynamic stability) has been performed at Invitae for this missense variant, however the output from this modeling did not meet the statistical confidence thresholds required to predict the impact of this variant on RNASEH2B protein function. In summary, the available evidence is currently insufficient to determine the role of this variant in disease. Therefore, it has been classified as a Variant of Uncertain Significance.